The following is an entry in ClinVar:

NM_001080517.3(SETD5):c.1525-4C>T

Gene: SETD5 (SET domain containing 5; plus strand). Cytogenetic location: 3p25.3.
Variant type: single nucleotide variant.
Coding change: c.1525-4C>T on transcript NM_001080517.3 (MANE Select); 4 bases into the intron before coding-DNA position 1525, C replaced by T.
Molecular consequence: intron variant.
Genome position (GRCh38, 1-based): chr3:9,447,046, C>T. VCF-style: chr3-9447046-C-T. GRCh37 (hg19) VCF-style: chr3-9488730-C-T.
Other names: c.1231-4C>T (NM_001349451.2, NM_001292043.2).
Identifiers: ClinVar variation 3352759 (VCV003352759.1).

ClinVar aggregate classification (germline): Likely benign (0 of 4 stars; one submission).

Conditions:
SETD5-related disorder. Also called: SETD5-related disorders; SETD5-related condition.

gnomAD v4.1: 9 of 1,607,052 alleles (0.00056%); highest among the groups gnomAD compares: African/African-American, 0.0054%; no homozygotes.

Submission:

PreventionGenetics, part of Exact Sciences
Classification: Likely benign for SETD5-related condition. Last evaluated: 2024-03-20. Review status: no assertion criteria provided. Collection method: clinical testing. Allele origin: germline.
Comment: This variant is classified as likely benign based on ACMG/AMP sequence variant interpretation guidelines (Richards et al. 2015 PMID: 25741868, with internal and published modifications).